The following is an entry in ClinVar:

ClinVar aggregate classification (germline): Pathogenic. Review status: criteria provided, multiple submitters, no conflicts (2 of 4 stars). 2 submissions from 2 submitters: Pathogenic (2). Last evaluated 2024-03-02.

Conditions:
Polycystic kidney disease, adult type (PKD1). Also called: Polycystic Kidney, Autosomal Dominant; POLYCYSTIC KIDNEY DISEASE 1 WITH OR WITHOUT POLYCYSTIC LIVER DISEASE; POLYCYSTIC KIDNEY DISEASE, ADULT, TYPE I; Polycystic Kidney Disease 1, Autosomal Dominant; Polycystic kidney disease 1; Polycystic kidney disease 1, severe. Identifiers: MedGen C3149841, MONDO:0008263, OMIM 173900.

Submissions (2):

Fulgent Genetics
Classification: Pathogenic for Polycystic kidney disease, adult type. Last evaluated: 2024-03-02. Review status: criteria provided, single submitter. Criteria: ACMG Guidelines, 2015. Collection method: clinical testing. Allele origin: germline.

GeneDx
Classification: Pathogenic. Last evaluated: 2023-09-07. Review status: criteria provided, single submitter. Criteria: GeneDx Variant Classification Process June 2021. Collection method: clinical testing. Allele origin: germline. Affected: yes.
Comment: Nonsense variant predicted to result in protein truncation or nonsense mediated decay in a gene for which loss of function is a known mechanism of disease; Not observed at significant frequency in large population cohorts (gnomAD); This variant is associated with the following publications: (PMID: 31874800)

NM_001009944.3(PKD1):c.4520G>A (p.Trp1507Ter)

Gene: PKD1 (polycystin 1, transient receptor potential channel interacting; minus strand). Cytogenetic location: 16p13.3.
Variant type: single nucleotide variant.
Coding change: c.4520G>A on transcript NM_001009944.3 (MANE Select); coding-DNA position 4520, G replaced by A.
Protein change: p.Trp1507Ter; replaces tryptophan 1507 with a stop codon.
Molecular consequence: nonsense.
Genome position (GRCh38, 1-based): chr16:2,110,647, C>T on the plus strand (G>A on the coding strand, the complement: PKD1 is on the minus strand). VCF-style: chr16-2110647-C-T. GRCh37 (hg19) VCF-style: chr16-2160648-C-T.
Other names: c.4520G>A, p.Trp1507Ter (NM_000296.4); short protein forms W1507*.
Identifiers: ClinVar variation 3340856 (VCV003340856.2).